The following is an entry in ClinVar:

NM_020184.4(CNNM4):c.2012C>T (p.Thr671Ile)

Gene: CNNM4 (cyclin and CBS domain divalent metal cation transport mediator 4; plus strand). Cytogenetic location: 2q11.2.
Variant type: single nucleotide variant.
Coding change: c.2012C>T on transcript NM_020184.4 (MANE Select); coding-DNA position 2012, C replaced by T.
Protein change: p.Thr671Ile; replaces threonine 671 with isoleucine.
Molecular consequence: missense variant.
Genome position (GRCh38, 1-based): chr2:96,808,624, C>T. VCF-style: chr2-96808624-C-T. GRCh37 (hg19) VCF-style: chr2-97474361-C-T.
Other names: short protein forms T671I.
Identifiers: ClinVar variation 970059 (VCV000970059.9), dbSNP rs774886052, ClinGen allele CA1783545.

ClinVar aggregate classification (germline): Uncertain significance (1 of 4 stars; one submission).

Allele frequency attached by ClinVar (database versions not stated): gnomAD below 0.00001 and 0.00001; gnomAD exomes below 0.00001 and 0.00001; ExAC 0.00001.
gnomAD v4.1: 4 of 1,614,036 alleles (0.00025%); highest among the groups gnomAD compares: South Asian, 0.0033%; no homozygotes.

Submission:

Labcorp Genetics (formerly Invitae), Labcorp
Classification: Uncertain significance. Last evaluated: 2019-10-31. Review status: criteria provided, single submitter. Criteria: Invitae Variant Classification Sherloc (09022015). Collection method: clinical testing. Allele origin: germline.
Comment: This variant is present in population databases (rs774886052, ExAC 0.006%). In summary, the available evidence is currently insufficient to determine the role of this variant in disease. Therefore, it has been classified as a Variant of Uncertain Significance. Algorithms developed to predict the effect of missense changes on protein structure and function (SIFT, PolyPhen-2, Align-GVGD) all suggest that this variant is likely to be tolerated, but these predictions have not been confirmed by published functional studies and their clinical significance is uncertain. This variant has not been reported in the literature in individuals with CNNM4-related conditions. This sequence change replaces threonine with isoleucine at codon 671 of the CNNM4 protein (p.Thr671Ile). The threonine residue is weakly conserved and there is a moderate physicochemical difference between threonine and isoleucine.